The following is an entry in ClinVar:

ClinVar aggregate classification (germline): Uncertain significance. Review status: criteria provided, multiple submitters, no conflicts (2 of 4 stars). 2 submissions from 2 submitters: Uncertain significance (2). Last evaluated 2025-02-03.

Conditions:
Hereditary cancer-predisposing syndrome. Also called: Neoplastic Syndromes, Hereditary; Hereditary neoplastic syndrome; Tumor predisposition; Hereditary Cancer Syndrome. Identifiers: Orphanet 140162, MedGen C0027672, MeSH D009386, MONDO:0015356.

Submissions (2):

Labcorp Genetics (formerly Invitae), Labcorp
Classification: Uncertain significance. Last evaluated: 2025-02-03. Review status: criteria provided, single submitter. Criteria: Invitae Variant Classification Sherloc (09022015). Collection method: clinical testing. Allele origin: germline.
Comment: This sequence change replaces leucine, which is neutral and non-polar, with proline, which is neutral and non-polar, at codon 224 of the NTHL1 protein (p.Leu224Pro). This variant is not present in population databases (gnomAD no frequency). This variant has not been reported in the literature in individuals affected with NTHL1-related conditions. ClinVar contains an entry for this variant (Variation ID: 1394565). An algorithm developed to predict the effect of missense changes on protein structure and function (PolyPhen-2) suggests that this variant is likely to be disruptive. In summary, the available evidence is currently insufficient to determine the role of this variant in disease. Therefore, it has been classified as a Variant of Uncertain Significance.

Ambry Genetics
Classification: Uncertain significance for Hereditary cancer-predisposing syndrome. Last evaluated: 2023-09-11. Review status: criteria provided, single submitter. Criteria: Ambry Variant Classification Scheme 2023. Collection method: clinical testing. Allele origin: germline.
Comment: The p.L224P variant (also known as c.671T>C), located in coding exon 4 of the NTHL1 gene, results from a T to C substitution at nucleotide position 671. The leucine at codon 224 is replaced by proline, an amino acid with similar properties. This amino acid position is conserved. In addition, this alteration is predicted to be deleterious by in silico analysis. Since supporting evidence is limited at this time, the clinical significance of this alteration remains unclear.

NM_002528.7(NTHL1):c.647T>C (p.Leu216Pro)

Gene: NTHL1 (nth like DNA glycosylase 1; minus strand). Cytogenetic location: 16p13.3.
Variant type: single nucleotide variant.
Coding change: c.647T>C on transcript NM_002528.7 (MANE Select); coding-DNA position 647, T replaced by C.
Protein change: p.Leu216Pro; replaces leucine 216 with proline.
Molecular consequence: missense variant.
Genome position (GRCh38, 1-based): chr16:2,043,605, A>G on the plus strand (T>C on the coding strand, the complement: NTHL1 is on the minus strand). VCF-style: chr16-2043605-A-G. GRCh37 (hg19) VCF-style: chr16-2093606-A-G.
Other names: c.671T>C (NM_002528.5); c.476T>C, p.Leu159Pro (NM_001318193.2); c.317T>C, p.Leu106Pro (NM_001318194.2); short protein forms L159P, L216P, L106P.
Identifiers: ClinVar variation 1394565 (VCV001394565.8), dbSNP rs2150941212, ClinGen allele CA394291136.